The following is an entry in ClinVar:

NM_001567.4(INPPL1):c.3149C>T (p.Pro1050Leu)

Gene: INPPL1 (inositol polyphosphate phosphatase like 1; plus strand). Cytogenetic location: 11q13.4.
Variant type: single nucleotide variant.
Coding change: c.3149C>T on transcript NM_001567.4 (MANE Select); coding-DNA position 3149, C replaced by T.
Protein change: p.Pro1050Leu; replaces proline 1050 with leucine.
Molecular consequence: missense variant.
Genome position (GRCh38, 1-based): chr11:72,237,393, C>T. VCF-style: chr11-72237393-C-T. GRCh37 (hg19) VCF-style: chr11-71948437-C-T.
Other names: short protein forms P1050L.
Identifiers: ClinVar variation 1372585 (VCV001372585.6), dbSNP rs766000787, ClinGen allele CA6170562.
Genomic context (GRCh38, chr11:72,237,393, plus strand): 5'-GGCACCCTCGTGTGGGAGAGGGGAGTTCTTCAGATGAGGAGTCTGGAGGCACACTGCCCC[C>T]TCCAGACTTTCCACCTCCACCACTGCCGGACTCAGCCATCTTCCTGCCCCCCAGCCTGGA-3'
Protein context (NP_001558.3, residues 1040-1060): SDEESGGTLP[Pro1050Leu]PDFPPPPLPD

ClinVar aggregate classification (germline): Uncertain significance (1 of 4 stars; one submission).

Allele frequency attached by ClinVar (database versions not stated): gnomAD exomes below 0.00001 and 0.00001; ExAC 0.00001.
gnomAD v4.1: 4 of 1,613,590 alleles (0.00025%); highest among the groups gnomAD compares: Admixed American, 0.005%; no homozygotes.

Submission:

Labcorp Genetics (formerly Invitae), Labcorp
Classification: Uncertain significance. Last evaluated: 2023-05-08. Review status: criteria provided, single submitter. Criteria: Invitae Variant Classification Sherloc (09022015). Collection method: clinical testing. Allele origin: germline.
Comment: In summary, the available evidence is currently insufficient to determine the role of this variant in disease. Therefore, it has been classified as a Variant of Uncertain Significance. An algorithm developed to predict the effect of missense changes on protein structure and function (PolyPhen-2) suggests that this variant is likely to be disruptive. ClinVar contains an entry for this variant (Variation ID: 1372585). This variant has not been reported in the literature in individuals affected with INPPL1-related conditions. This variant is present in population databases (rs766000787, gnomAD 0.009%). This sequence change replaces proline, which is neutral and non-polar, with leucine, which is neutral and non-polar, at codon 1050 of the INPPL1 protein (p.Pro1050Leu).